The following is an entry in ClinVar:

ClinVar aggregate classification (germline): Conflicting classifications of pathogenicity. Review status: criteria provided, conflicting classifications (1 of 4 stars). 2 submissions from 2 submitters: Uncertain significance (1); Likely benign (1). Last evaluated 2024-12-18.

Conditions:
Fanconi anemia (FA). Also called: Fanconi's anemia. Identifiers: Orphanet 84, MedGen C0015625, MeSH D005199, MONDO:0019391.

Allele frequency attached by ClinVar (database versions not stated): TOPMed 0.00004; gnomAD 0.00004; gnomAD exomes 0.00002; ExAC 0.00002.
gnomAD v4.1: 38 of 1,614,032 alleles (0.0024%); highest among the groups gnomAD compares: Non-Finnish European, 0.003%; no homozygotes.

Submissions (2):

Labcorp Genetics (formerly Invitae), Labcorp
Classification: Uncertain significance for Fanconi anemia. Last evaluated: 2024-12-18. Review status: criteria provided, single submitter. Criteria: Invitae Variant Classification Sherloc (09022015). Collection method: clinical testing. Allele origin: germline.
Comment: This sequence change replaces isoleucine, which is neutral and non-polar, with valine, which is neutral and non-polar, at codon 1000 of the SLX4 protein (p.Ile1000Val). This variant is present in population databases (rs772540192, gnomAD 0.004%). This variant has not been reported in the literature in individuals affected with SLX4-related conditions. ClinVar contains an entry for this variant (Variation ID: 577947). An algorithm developed to predict the effect of missense changes on protein structure and function outputs the following: PolyPhen-2: "Benign". The valine amino acid residue is found in multiple mammalian species, which suggests that this missense change does not adversely affect protein function. In summary, the available evidence is currently insufficient to determine the role of this variant in disease. Therefore, it has been classified as a Variant of Uncertain Significance.

Blueprint Genetics
Classification: Likely benign. Last evaluated: 2024-05-08. Review status: criteria provided, single submitter. Criteria: ACMG Guidelines, 2015. Collection method: clinical testing. Allele origin: germline.

NM_032444.4(SLX4):c.2998A>G (p.Ile1000Val)

Gene: SLX4 (SLX4 structure-specific endonuclease subunit; minus strand). Cytogenetic location: 16p13.3.
Variant type: single nucleotide variant.
Coding change: c.2998A>G on transcript NM_032444.4 (MANE Select); coding-DNA position 2998, A replaced by G.
Protein change: p.Ile1000Val; replaces isoleucine 1000 with valine.
Molecular consequence: missense variant.
Genome position (GRCh38, 1-based): chr16:3,590,640, T>C on the plus strand (A>G on the coding strand, the complement: SLX4 is on the minus strand). VCF-style: chr16-3590640-T-C. GRCh37 (hg19) VCF-style: chr16-3640641-T-C.
Other names: c.2998A>G (LRG_503t1); short protein forms I1000V.
Identifiers: ClinVar variation 577947 (VCV000577947.9), dbSNP rs772540192, ClinGen allele CA7866022.